The following is an entry in ClinVar:

ClinVar aggregate classification (germline): Pathogenic (1 of 4 stars; one submission).

Conditions:
Heterotaxy, visceral, 1, X-linked (HTX1). Also called: Laterality, X-linked; Visceral heterotaxia; DEXTROCARDIA WITH OTHER CARDIAC MALFORMATIONS; SITUS INVERSUS, COMPLEX CARDIAC DEFECTS, AND SPLENIC DEFECTS, X-LINKED. Identifiers: Orphanet 450, MedGen C1844020, MONDO:0010607, OMIM 306955.

Submission:

Labcorp Genetics (formerly Invitae), Labcorp
Classification: Pathogenic for Heterotaxy, visceral, 1, X-linked. Last evaluated: 2019-11-27. Review status: criteria provided, single submitter. Criteria: Invitae Variant Classification Sherloc (09022015). Collection method: clinical testing. Allele origin: germline.
Comment: This sequence change creates a premature translational stop signal (p.Ser43*) in the ZIC3 gene. It is expected to result in an absent or disrupted protein product. For these reasons, this variant has been classified as Pathogenic. Loss-of-function variants in ZIC3 are known to be pathogenic (PMID: 24123890). This nonsense change has been observed in individual(s) with heterotaxy (PMID: 14681828). The frequency data for this variant in the population databases is considered unreliable, as metrics indicate insufficient coverage at this position in the ExAC database.

Literature cited by the submitters: PubMed 24123890; PubMed 14681828.

NM_003413.4(ZIC3):c.128C>G (p.Ser43Ter)

Gene: ZIC3 (Zic family zinc finger 3; plus strand). Cytogenetic location: Xq26.3.
Variant type: single nucleotide variant.
Coding change: c.128C>G on transcript NM_003413.4 (MANE Select); coding-DNA position 128, C replaced by G.
Protein change: p.Ser43Ter; replaces serine 43 with a stop codon.
Molecular consequence: nonsense.
Genome position (GRCh38, 1-based): chrX:137,566,819, C>G. VCF-style: chrX-137566819-C-G. GRCh37 (hg19) VCF-style: chrX-136648978-C-G.
Other names: c.128C>G, p.Ser43Ter (NM_001330661.1); short protein forms S43*.
Identifiers: ClinVar variation 853140 (VCV000853140.9), dbSNP rs1569345504, ClinGen allele CA414769244.